The following is an entry in ClinVar:

NM_024105.4(ALG12):c.208G>A (p.Gly70Arg)

Gene: ALG12 (ALG12 alpha-1,6-mannosyltransferase; minus strand). Cytogenetic location: 22q13.33.
Variant type: single nucleotide variant.
Coding change: c.208G>A on transcript NM_024105.4 (MANE Select); coding-DNA position 208, G replaced by A.
Protein change: p.Gly70Arg; replaces glycine 70 with arginine.
Molecular consequence: missense variant.
Genome position (GRCh38, 1-based): chr22:49,913,472, C>T on the plus strand (G>A on the coding strand, the complement: ALG12 is on the minus strand). VCF-style: chr22-49913472-C-T. GRCh37 (hg19) VCF-style: chr22-50307120-C-T.
Other names: short protein forms G70R.
Identifiers: ClinVar variation 1350487 (VCV001350487.5), dbSNP rs1208318216, ClinGen allele CA412079940.

ClinVar aggregate classification (germline): Uncertain significance (1 of 4 stars; one submission).

Conditions:
ALG12-congenital disorder of glycosylation (CDG1G). Also called: Congenital disorder of glycosylation, type Ig; ALG12-CDG; CDG Ig. Identifiers: Orphanet 79324, MedGen C2931001, MONDO:0011783, OMIM 607143.

Allele frequency attached by ClinVar (database versions not stated): gnomAD exomes below 0.00001 and 0.00001; TOPMed below 0.00001.
gnomAD v4.1: 12 of 1,613,984 alleles (0.00074%); highest among the groups gnomAD compares: East Asian, 0.0045%; no homozygotes.

Submission:

Labcorp Genetics (formerly Invitae), Labcorp
Classification: Uncertain significance for ALG12-congenital disorder of glycosylation. Last evaluated: 2022-08-10. Review status: criteria provided, single submitter. Criteria: Invitae Variant Classification Sherloc (09022015). Collection method: clinical testing. Allele origin: germline.
Comment: This sequence change replaces glycine, which is neutral and non-polar, with arginine, which is basic and polar, at codon 70 of the ALG12 protein (p.Gly70Arg). This variant is present in population databases (no rsID available, gnomAD 0.003%). This variant has not been reported in the literature in individuals affected with ALG12-related conditions. ClinVar contains an entry for this variant (Variation ID: 1350487). Algorithms developed to predict the effect of missense changes on protein structure and function are either unavailable or do not agree on the potential impact of this missense change (SIFT: "Deleterious"; PolyPhen-2: "Probably Damaging"; Align-GVGD: "Class C15"). Algorithms developed to predict the effect of sequence changes on RNA splicing suggest that this variant may create or strengthen a splice site. In summary, the available evidence is currently insufficient to determine the role of this variant in disease. Therefore, it has been classified as a Variant of Uncertain Significance.